The following is an entry in ClinVar:

NM_001134363.3(RBM20):c.586A>T (p.Met196Leu)

Gene: RBM20 (RNA binding motif protein 20; plus strand). Cytogenetic location: 10q25.2.
Variant type: single nucleotide variant.
Coding change: c.586A>T on transcript NM_001134363.3 (MANE Select); coding-DNA position 586, A replaced by T.
Protein change: p.Met196Leu; replaces methionine 196 with leucine.
Molecular consequence: missense variant.
Genome position (GRCh38, 1-based): chr10:110,781,195, A>T. VCF-style: chr10-110781195-A-T. GRCh37 (hg19) VCF-style: chr10-112540953-A-T.
Other names: short protein forms M196L.
Identifiers: ClinVar variation 1750174 (VCV001750174.6), dbSNP rs1844339629, ClinGen allele CA378381410.

ClinVar aggregate classification (germline): Uncertain significance. Review status: criteria provided, multiple submitters, no conflicts (2 of 4 stars). 2 submissions from 2 submitters: Uncertain significance (2). Last evaluated 2024-12-25.

Conditions:
Cardiovascular phenotype. Identifiers: MedGen CN230736.
Dilated cardiomyopathy 1DD (CMD1DD). Identifiers: Orphanet 154, MedGen C2750995, MONDO:0013168, OMIM 613172.

Allele frequency attached by ClinVar (database versions not stated): gnomAD exomes below 0.00001; TOPMed below 0.00001.

Submissions (2):

Labcorp Genetics (formerly Invitae), Labcorp
Classification: Uncertain significance for Dilated cardiomyopathy 1DD. Last evaluated: 2024-12-25. Review status: criteria provided, single submitter. Criteria: Invitae Variant Classification Sherloc (09022015). Collection method: clinical testing. Allele origin: germline.
Comment: This sequence change replaces methionine, which is neutral and non-polar, with leucine, which is neutral and non-polar, at codon 196 of the RBM20 protein (p.Met196Leu). This variant is not present in population databases (gnomAD no frequency). This variant has not been reported in the literature in individuals affected with RBM20-related conditions. ClinVar contains an entry for this variant (Variation ID: 1750174). Invitae Evidence Modeling of protein sequence and biophysical properties (such as structural, functional, and spatial information, amino acid conservation, physicochemical variation, residue mobility, and thermodynamic stability) indicates that this missense variant is not expected to disrupt RBM20 protein function with a negative predictive value of 95%. In summary, the available evidence is currently insufficient to determine the role of this variant in disease. Therefore, it has been classified as a Variant of Uncertain Significance.

Ambry Genetics
Classification: Uncertain significance for Cardiovascular phenotype. Last evaluated: 2024-03-15. Review status: criteria provided, single submitter. Criteria: Ambry Variant Classification Scheme 2023. Collection method: clinical testing. Allele origin: germline.